The following is an entry in ClinVar:

ClinVar aggregate classification (germline): Uncertain significance (1 of 4 stars; one submission).

Allele frequency attached by ClinVar (database versions not stated): gnomAD 0.00001; TOPMed 0.00001.

Submission:

Labcorp Genetics (formerly Invitae), Labcorp
Classification: Uncertain significance. Last evaluated: 2022-07-19. Review status: criteria provided, single submitter. Criteria: Invitae Variant Classification Sherloc (09022015). Collection method: clinical testing. Allele origin: germline.
Comment: This sequence change replaces arginine, which is basic and polar, with histidine, which is basic and polar, at codon 163 of the TONSL protein (p.Arg163His). This variant is present in population databases (no rsID available, gnomAD 0.003%). This variant has not been reported in the literature in individuals affected with TONSL-related conditions. Algorithms developed to predict the effect of missense changes on protein structure and function are either unavailable or do not agree on the potential impact of this missense change (SIFT: "Deleterious"; PolyPhen-2: "Probably Damaging"; Align-GVGD: "Class C0"). In summary, the available evidence is currently insufficient to determine the role of this variant in disease. Therefore, it has been classified as a Variant of Uncertain Significance.

NM_013432.5(TONSL):c.488G>A (p.Arg163His)

Gene: TONSL (tonsoku like, DNA repair protein; minus strand). Cytogenetic location: 8q24.3.
Variant type: single nucleotide variant.
Coding change: c.488G>A on transcript NM_013432.5 (MANE Select); coding-DNA position 488, G replaced by A.
Protein change: p.Arg163His; replaces arginine 163 with histidine.
Molecular consequence: missense variant.
Genome position (GRCh38, 1-based): chr8:144,442,767, C>T on the plus strand (G>A on the coding strand, the complement: TONSL is on the minus strand). VCF-style: chr8-144442767-C-T. GRCh37 (hg19) VCF-style: chr8-145668150-C-T.
Other names: short protein forms R163H.
Identifiers: ClinVar variation 1922540 (VCV001922540.2), dbSNP rs1040252988, ClinGen allele CA187677141.
Genomic context (GRCh38, chr8:144,442,767, plus strand): 5'-TCGTTGCACAGGGCTGTCTGCTGCAGGCTCTCAAAGGTGAGGCCCAGGTTGAGATAGAGG[C>T]GGGTCCTCATCTCATTCAGCTCTCCCTGGGCCAGTGTCCCTGGAAGATACCCCCCCAAAC-3'
Protein context (NP_038460.4, residues 153-173): AQGELNEMRT[Arg163His]LYLNLGLTFE